The following is an entry in ClinVar:

NM_003924.4(PHOX2B):c.161C>T (p.Thr54Met)

Genes: PHOX2B (paired like homeobox 2B; minus strand), PHOX2B-AS1 (PHOX2B antisense RNA 1; plus strand). Cytogenetic location: 4p13.
Variant type: single nucleotide variant.
Coding change: c.161C>T on transcript NM_003924.4 (MANE Select); coding-DNA position 161, C replaced by T.
Protein change: p.Thr54Met; replaces threonine 54 with methionine.
Molecular consequence: missense variant. On other transcripts: non-coding transcript variant (1).
Genome position (GRCh38, 1-based): chr4:41,748,450, G>A on the plus strand (C>T on the coding strand, the complement: PHOX2B is on the minus strand). VCF-style: chr4-41748450-G-A. GRCh37 (hg19) VCF-style: chr4-41750467-G-A.
Other names: short protein forms T54M.
Identifiers: ClinVar variation 2895832 (VCV002895832.3), dbSNP rs1733982603, ClinGen allele CA356740947.

ClinVar aggregate classification (germline): Uncertain significance (1 of 4 stars; one submission).

Conditions:
Haddad syndrome (OHD). Also called: Ondine-Hirschsprung disease. Identifiers: Orphanet 99803, MedGen C1859049, MONDO:0020493.

Submission:

Labcorp Genetics (formerly Invitae), Labcorp
Classification: Uncertain significance for Haddad syndrome. Last evaluated: 2022-12-03. Review status: criteria provided, single submitter. Criteria: Invitae Variant Classification Sherloc (09022015). Collection method: clinical testing. Allele origin: germline.
Comment: This variant is not present in population databases (gnomAD no frequency). This variant has not been reported in the literature in individuals affected with PHOX2B-related conditions. Advanced modeling of protein sequence and biophysical properties (such as structural, functional, and spatial information, amino acid conservation, physicochemical variation, residue mobility, and thermodynamic stability) performed at Invitae indicates that this missense variant is not expected to disrupt PHOX2B protein function. In summary, the available evidence is currently insufficient to determine the role of this variant in disease. Therefore, it has been classified as a Variant of Uncertain Significance. This sequence change replaces threonine, which is neutral and polar, with methionine, which is neutral and non-polar, at codon 54 of the PHOX2B protein (p.Thr54Met).